The following is an entry in ClinVar:

ClinVar aggregate classification (germline): Benign. Review status: criteria provided, multiple submitters, no conflicts (2 of 4 stars). 7 submissions from 7 submitters: Benign (5). 2 of the submissions do not count toward it. Last evaluated 2026-02-04.

Allele frequency attached by ClinVar (database versions not stated): 1000 Genomes Project 30x 0.67255; TOPMed 0.69071; gnomAD exomes 0.76496 and 0.81877; ExAC 0.78683; 1000 Genomes Project 0.67812; ESP Exome Variant Server 0.71799; gnomAD 0.70559 and 0.71235.
gnomAD v4.1: 1,231,898 of 1,525,446 alleles (81%); highest among the groups gnomAD compares: Non-Finnish European, 84%; 503,471 homozygotes.

Submissions (7):

Labcorp Genetics (formerly Invitae), Labcorp
Classification: Benign. Last evaluated: 2026-02-04. Review status: criteria provided, single submitter. Criteria: Invitae Variant Classification Sherloc (09022015). Collection method: clinical testing. Allele origin: germline.

Mayo Clinic Laboratories, Mayo Clinic
Classification: Benign. Last evaluated: 2020-08-28. Review status: criteria provided, single submitter. Criteria: ACMG Guidelines, 2015. Collection method: clinical testing. Allele origin: germline. Observed: 151 variant alleles.

GeneDx
Classification: Benign. Last evaluated: 2017-05-09. Review status: criteria provided, single submitter. Criteria: GeneDx Variant Classification (06012015). Collection method: clinical testing. Allele origin: germline. Affected: yes.
Comment: This variant is considered likely benign or benign based on one or more of the following criteria: it is a conservative change, it occurs at a poorly conserved position in the protein, it is predicted to be benign by multiple in silico algorithms, and/or has population frequency not consistent with disease.

Laboratory for Molecular Medicine, Mass General Brigham Personalized Medicine
Classification: Benign. Last evaluated: 2014-11-24. Review status: criteria provided, single submitter. Criteria: LMM Criteria. Collection method: clinical testing. Allele origin: germline. Observed: 944 variant alleles.
Comment: Ala2132Thr in exon 53 of OTOGL: This variant is not expected to have clinical si gnificance because it has been identified in 48.3% (2123/4398) of African Americ an chromosomes from a broad population by the NHLBI Exome Sequencing Project (dbSNP rs1551118).

Breakthrough Genomics
Classification: Benign. Review status: criteria provided, single submitter. Criteria: ACMG Guidelines, 2015. Collection method: not provided. Allele origin: germline. Inheritance: Autosomal recessive inheritance. Affected: yes.

Diagnostic Laboratory, Department of Genetics, University Medical Center Groningen
Classification: Benign. Review status: no assertion criteria provided. Collection method: clinical testing. Allele origin: germline. Affected: yes. Study: VKGL Data-share Consensus. Not counted in ClinVar's aggregate classification.

Joint Genome Diagnostic Labs from Nijmegen and Maastricht, Radboudumc and MUMC+
Classification: Benign. Review status: no assertion criteria provided. Collection method: clinical testing. Allele origin: germline. Affected: yes. Study: VKGL Data-share Consensus. Not counted in ClinVar's aggregate classification.

NM_001378609.3(OTOGL):c.6421G>A (p.Ala2141Thr)

Gene: OTOGL (otogelin like; plus strand). Cytogenetic location: 12q21.31.
Variant type: single nucleotide variant.
Coding change: c.6421G>A on transcript NM_001378609.3 (MANE Select); coding-DNA position 6421, G replaced by A.
Protein change: p.Ala2141Thr; replaces alanine 2141 with threonine.
Molecular consequence: missense variant.
Genome position (GRCh38, 1-based): chr12:80,367,650, G>A. VCF-style: chr12-80367650-G-A. GRCh37 (hg19) VCF-style: chr12-80761430-G-A.
Other names: c.6286G>A, p.Ala2096Thr (NM_001368062.3); c.6421G>A, p.Ala2141Thr (NM_001378610.3, NM_173591.7); short protein forms A2132T, A2096T, A2141T.
Identifiers: ClinVar variation 226969 (VCV000226969.20), dbSNP rs1551118, ClinGen allele CA6702037.